The following is an entry in ClinVar:

NM_005589.4(ALDH6A1):c.*642C>T

Genes: ALDH6A1 (aldehyde dehydrogenase 6 family member A1; minus strand), BBOF1 (basal body orientation factor 1; plus strand). Cytogenetic location: 14q24.3.
Variant type: single nucleotide variant.
Coding change: c.*642C>T on transcript NM_005589.4 (MANE Select); 642 bases downstream of the stop codon, C replaced by T.
Molecular consequence: 3 prime UTR variant. On other transcripts: intron variant (1).
Genome position (GRCh38, 1-based): chr14:74,060,000, G>A on the plus strand (C>T on the coding strand, the complement: ALDH6A1 is on the minus strand). VCF-style: chr14-74060000-G-A. GRCh37 (hg19) VCF-style: chr14-74526703-G-A.
Other names: c.*642C>T (NM_001278593.2, NM_001278594.2); c.1578+2742G>A (NM_025057.3).
Identifiers: ClinVar variation 884941 (VCV000884941.5), dbSNP rs4646864, ClinGen allele CA14033760.

ClinVar aggregate classification (germline): Benign. Review status: criteria provided, multiple submitters, no conflicts (2 of 4 stars). 2 submissions from 2 submitters: Benign (2). Last evaluated 2018-01-13.

Conditions:
Methylmalonate semialdehyde dehydrogenase deficiency (MMSDHD). Also called: MMSDH DEFICIENCY. Identifiers: Orphanet 289307, MedGen C3279840, MONDO:0013579, OMIM 614105.

Allele frequency attached by ClinVar (database versions not stated): gnomAD 0.05891 and 0.06798; TOPMed 0.06372; gnomAD exomes 0.06664; 1000 Genomes Project 30x 0.11914; 1000 Genomes Project 0.12460.
gnomAD v4.1: 10,521 of 154,390 alleles (6.8%); highest among the groups gnomAD compares: South Asian, 25%; 561 homozygotes.

Submissions (2):

Illumina Laboratory Services, Illumina
Classification: Benign for Methylmalonate semialdehyde dehydrogenase deficiency. Last evaluated: 2018-01-13. Review status: criteria provided, single submitter. Criteria: ICSL Variant Classification Criteria 13 December 2019. Collection method: clinical testing. Allele origin: germline.
Comment: This variant was observed in the ICSL laboratory as part of a predisposition screen in an ostensibly healthy population. It had not been previously curated by ICSL or reported in the Human Gene Mutation Database (HGMD: prior to June 1st, 2018), and was therefore a candidate for classification through an automated scoring system. Utilizing variant allele frequency, disease prevalence and penetrance estimates, and inheritance mode, an automated score was calculated to assess if this variant is too frequent to cause the disease. Based on the score and internal cut-off values, a variant classified as benign is not then subjected to further curation. The score for this variant resulted in a classification of benign for this disease.

Breakthrough Genomics
Classification: Benign. Review status: criteria provided, single submitter. Criteria: ACMG Guidelines, 2015. Collection method: not provided. Allele origin: germline. Inheritance: Autosomal recessive inheritance. Affected: yes.